The following is an entry in ClinVar:

NM_006035.4(CDC42BPB):c.2447C>T (p.Ala816Val)

Gene: CDC42BPB (CDC42 binding protein kinase beta; minus strand). Cytogenetic location: 14q32.32.
Variant type: single nucleotide variant.
Coding change: c.2447C>T on transcript NM_006035.4 (MANE Select); coding-DNA position 2447, C replaced by T.
Protein change: p.Ala816Val; replaces alanine 816 with valine.
Molecular consequence: missense variant.
Genome position (GRCh38, 1-based): chr14:102,967,070, G>A on the plus strand (C>T on the coding strand, the complement: CDC42BPB is on the minus strand). VCF-style: chr14-102967070-G-A. GRCh37 (hg19) VCF-style: chr14-103433407-G-A.
Other names: c.2447C>T, p.Ala816Val (NM_001411054.1); short protein forms A816V.
Identifiers: ClinVar variation 3362193 (VCV003362193.1).
Genomic context (GRCh38, chr14:102,967,070, plus strand): 5'-GCGGATTCACGGCCGCTAATGGGGCCGCGCACGTACCACTGAATGATTTCCGCAATCTGA[G>A]CTTCCCAGTGGGCCACTGACTCCTTCTTGGCTGCCAGATCCTGCAGCTCATCCTCCAGCT-3'
Protein context (NP_006026.3, residues 806-826): AKKESVAHWE[Ala816Val]QIAEIIQWVS

ClinVar aggregate classification (germline): Uncertain significance (1 of 4 stars; one submission).

Submission:

GeneDx
Classification: Uncertain significance. Last evaluated: 2023-05-31. Review status: criteria provided, single submitter. Criteria: GeneDx Variant Classification Process June 2021. Collection method: clinical testing. Allele origin: germline. Affected: yes.
Comment: Not observed at significant frequency in large population cohorts (gnomAD); In silico analysis supports that this missense variant has a deleterious effect on protein structure/function; Has not been previously published as pathogenic or benign to our knowledge